The following is an entry in ClinVar:

ClinVar aggregate classification (germline): Uncertain significance. Review status: criteria provided, multiple submitters, no conflicts (2 of 4 stars). 2 submissions from 2 submitters: Uncertain significance (2). Last evaluated 2025-11-03.

Conditions:
MYH9-related disorder. Identifiers: MedGen C1854520.

Submissions (2):

Labcorp Genetics (formerly Invitae), Labcorp
Classification: Uncertain significance. Last evaluated: 2025-11-03. Review status: criteria provided, single submitter. Criteria: Invitae Variant Classification Sherloc (09022015). Collection method: clinical testing. Allele origin: germline.
Comment: This sequence change replaces alanine, which is neutral and non-polar, with serine, which is neutral and polar, at codon 410 of the MYH9 protein (p.Ala410Ser). This variant is not present in population databases (gnomAD no frequency). This variant has not been reported in the literature in individuals affected with MYH9-related conditions. An algorithm developed to predict the effect of missense changes on protein structure and function (PolyPhen-2) suggests that this variant is likely to be disruptive. In summary, the available evidence is currently insufficient to determine the role of this variant in disease. Therefore, it has been classified as a Variant of Uncertain Significance.

PreventionGenetics, part of Exact Sciences
Classification: Uncertain significance for MYH9-related condition. Last evaluated: 2025-06-13. Review status: criteria provided, single submitter. Criteria: ACMG Guidelines, 2015. Collection method: clinical testing. Allele origin: germline.
Comment: The MYH9 c.1228G>T variant is predicted to result in the amino acid substitution p.Ala410Ser. To our knowledge, this variant has not been reported in the literature or in a large population database (gnomAD), indicating this variant is rare. At this time, the clinical significance of this variant is uncertain due to the absence of conclusive functional and genetic evidence.

NM_002473.6(MYH9):c.1228G>T (p.Ala410Ser)

Gene: MYH9 (myosin heavy chain 9; minus strand). Cytogenetic location: 22q12.3.
Variant type: single nucleotide variant.
Coding change: c.1228G>T on transcript NM_002473.6 (MANE Select); coding-DNA position 1228, G replaced by T.
Protein change: p.Ala410Ser; replaces alanine 410 with serine.
Molecular consequence: missense variant.
Genome position (GRCh38, 1-based): chr22:36,316,669, C>A on the plus strand (G>T on the coding strand, the complement: MYH9 is on the minus strand). VCF-style: chr22-36316669-C-A. GRCh37 (hg19) VCF-style: chr22-36712714-C-A.
Other names: short protein forms A410S.
Identifiers: ClinVar variation 4719443 (VCV004719443.2).